The following is an entry in ClinVar:

ClinVar aggregate classification (germline): Pathogenic. Review status: criteria provided, multiple submitters, no conflicts (2 of 4 stars). 2 submissions from 2 submitters: Pathogenic (2). Last evaluated 2021-08-26.

Conditions:
Hereditary factor VIII deficiency disease (HEMA). Also called: AUTOSOMAL HEMOPHILIA A; Hemophilia A; HEMOPHILIA, CLASSIC; Hemophilia A, congenital; HEM A; Factor 8 deficiency, congenital. Identifiers: Orphanet 98878, MedGen C0019069, MONDO:0010602, OMIM 306700.

Submissions (2):

ARUP Laboratories, Molecular Genetics and Genomics, ARUP Laboratories
Classification: Pathogenic for Hereditary factor VIII deficiency disease. Last evaluated: 2021-08-26. Review status: criteria provided, single submitter. Criteria: ARUP Molecular Germline Variant Investigation Process 2021. Collection method: clinical testing. Allele origin: germline.
Comment: The F8 c.4936delG; p.Ala1646GlnfsTer17 variant (rs1603433729) is reported in the literature in an individual affected with severe hemophilia A (Gorziza 3013). This variant is also reported in ClinVar (Variation ID: 804140). This variant is absent from the Genome Aggregation Database, indicating it is not a common polymorphism. This variant causes a frameshift by deleting a single nucleotide, so it is predicted to result in a truncated protein or mRNA subject to nonsense-mediated decay. Based on available information, this variant is considered to be pathogenic. References: Gorziza RP et al. Genetic changes in severe haemophilia A: new contribution to the aetiology of a complex disease. Blood Coagul Fibrinolysis. 2013 Mar;24(2):164-9. Erratum in: Blood Coagul Fibrinolysis. 2014 Jun;25(4):405. PMID: 23249616.

Mendelics
Classification: Pathogenic for Hereditary factor VIII deficiency disease. Last evaluated: 2019-05-28. Review status: criteria provided, single submitter. Criteria: Mendelics Assertion Criteria 2017. Collection method: clinical testing. Allele origin: unknown.

NM_000132.4(F8):c.4936del (p.Ala1646fs)

Gene: F8 (coagulation factor VIII; minus strand). Cytogenetic location: Xq28.
Variant type: Deletion.
Coding change: c.4936del on transcript NM_000132.4 (MANE Select); coding-DNA position 4936, one base deleted (G; older notation c.4936delG).
Protein change: p.Ala1646fs; shifts the reading frame from alanine 1646.
Molecular consequence: frameshift variant.
Genome position (GRCh38, 1-based): chrX:154,928,854, C deleted on the plus strand (G on the coding strand, the reverse complement: F8 is on the minus strand); the first of 3 consecutive C bases (chrX:154,928,854-154,928,856); deleting any one gives the same sequence. VCF-style (leftmost placement, unchanged base first): chrX-154928853-GC-G. GRCh37 (hg19) VCF-style: chrX-154157128-GC-G.
Other names: short protein forms A1646fs.
Identifiers: ClinVar variation 804140 (VCV000804140.8), dbSNP rs1603433729, ClinGen allele CA915951998.
Genomic context (GRCh38, chrX:154,928,853, plus strand): 5'-TGATGGCGTTTCAAGACTGGTGGGTTTTGAGAGCACAGCCTTTCAGTCCTACCTTGCTTT[GC>G]CCAGGTGACTTCTATTTCGGGCTTATTTTGTCCCTCATTTATTGCTGCTATTGCATGATT-3'